The following is an entry in ClinVar:

ClinVar aggregate classification (germline): Likely pathogenic (1 of 4 stars; one submission).

Conditions:
Abetalipoproteinaemia (ABL). Also called: MTP DEFICIENCY; Abetalipoproteinemia; Abetalipoproteinemia neuropathy; Apolipoprotein B deficiency; Congenital betalipoprotein deficiency syndrome. Identifiers: Orphanet 14, MedGen C0000744, MONDO:0008692, OMIM 200100, HP:0008181.

Submission:

Myriad Genetics, Inc.
Classification: Likely pathogenic for Abetalipoproteinaemia. Last evaluated: 2021-12-10. Review status: criteria provided, single submitter. Criteria: Myriad Women's Health Autosomal Recessive and X-Linked Classification Criteria (2021). Collection method: clinical testing. Allele origin: unknown.
Comment: NM_000253.2(MTTP):c.486_488delTGGinsA(G163Nfs*4) is expected to be pathogenic in the context of abetalipoproteinemia. This variant is predicted to lead to an abnormal or absent protein product due to the creation of a premature termination codon in MTTP, a gene where loss-of-function variants are known to be pathogenic. Please note: this variant was assessed in the context of healthy population screening.

NM_001386140.1(MTTP):c.486_488delinsA (p.Gly163fs)

Gene: MTTP (microsomal triglyceride transfer protein; plus strand). Cytogenetic location: 4q23.
Variant type: Indel.
Coding change: c.486_488delinsA on transcript NM_001386140.1 (MANE Select); coding-DNA positions 486 to 488, TGG replaced by A.
Protein change: p.Gly163fs; shifts the reading frame from glycine 163.
Molecular consequence: frameshift variant.
Genome position (GRCh38, 1-based): chr4:99,589,735-99,589,737, TGG replaced by A. VCF-style: chr4-99589735-TGG-A. GRCh37 (hg19) VCF-style: chr4-100510892-TGG-A.
Other names: c.486_488delinsA, p.Gly163fs (NM_000253.4); c.237_239delinsA, p.Gly80fs (NM_001300785.2); short protein forms G163fs, G80fs.
Identifiers: ClinVar variation 1726271 (VCV001726271.2), dbSNP rs2476103063, ClinGen allele CA2580071905.